The following is an entry in ClinVar:

ClinVar aggregate classification (germline): Uncertain significance. Review status: criteria provided, multiple submitters, no conflicts (2 of 4 stars). 2 submissions from 2 submitters: Uncertain significance (2). Last evaluated 2024-04-22.

Conditions:
Aortic aneurysm, familial thoracic 7 (AAT7). Also called: AORTIC DISSECTION, FAMILIAL, WITH OR WITHOUT AORTIC ANEURYSM. Identifiers: MedGen C3151077, MONDO:0013418, OMIM 613780.
Connective tissue disorder. Also called: Connective tissue disease. Identifiers: MedGen C0009782, MONDO:0003900.

Allele frequency attached by ClinVar (database versions not stated): TOPMed 0.00001.
gnomAD v4.1: 3 of 1,603,408 alleles (0.00019%); highest among the groups gnomAD compares: Admixed American, 0.0017%; no homozygotes.

Submissions (2):

Labcorp Genetics (formerly Invitae), Labcorp
Classification: Uncertain significance for Aortic aneurysm, familial thoracic 7. Last evaluated: 2024-04-22. Review status: criteria provided, single submitter. Criteria: Invitae Variant Classification Sherloc (09022015). Collection method: clinical testing. Allele origin: germline.
Comment: This sequence change replaces serine, which is neutral and polar, with cysteine, which is neutral and slightly polar, at codon 1209 of the MYLK protein (p.Ser1209Cys). This variant is not present in population databases (gnomAD no frequency). This variant has not been reported in the literature in individuals affected with MYLK-related conditions. ClinVar contains an entry for this variant (Variation ID: 547556). Advanced modeling of protein sequence and biophysical properties (such as structural, functional, and spatial information, amino acid conservation, physicochemical variation, residue mobility, and thermodynamic stability) performed at Invitae indicates that this missense variant is not expected to disrupt MYLK protein function with a negative predictive value of 80%. In summary, the available evidence is currently insufficient to determine the role of this variant in disease. Therefore, it has been classified as a Variant of Uncertain Significance.

Center for Human Genetics, Inc
Classification: Uncertain significance for Connective tissue disorder. Last evaluated: 2016-11-01. Review status: criteria provided, single submitter. Criteria: ACMG Guidelines, 2015. Collection method: clinical testing. Allele origin: germline. Affected: yes.

NM_053025.4(MYLK):c.3626C>G (p.Ser1209Cys)

Gene: MYLK (myosin light chain kinase; minus strand). Cytogenetic location: 3q21.1.
Variant type: single nucleotide variant.
Coding change: c.3626C>G on transcript NM_053025.4 (MANE Select); coding-DNA position 3626, C replaced by G.
Protein change: p.Ser1209Cys; replaces serine 1209 with cysteine.
Molecular consequence: missense variant.
Genome position (GRCh38, 1-based): chr3:123,682,250, G>C on the plus strand (C>G on the coding strand, the complement: MYLK is on the minus strand). VCF-style: chr3-123682250-G-C. GRCh37 (hg19) VCF-style: chr3-123401097-G-C.
Other names: c.3098C>G, p.Ser1033Cys (NM_001321309.2); c.3419C>G, p.Ser1140Cys (NM_053026.4, NM_053028.4); c.3626C>G, p.Ser1209Cys (NM_053027.4); short protein forms S1209C, S1033C, S1140C.
Identifiers: ClinVar variation 547556 (VCV000547556.2), dbSNP rs1406608470, ClinGen allele CA354233506.